The following is an entry in ClinVar:

NM_173648.4(CCDC141):c.3782C>T (p.Ala1261Val)

Gene: CCDC141 (coiled-coil domain containing 141; minus strand). Cytogenetic location: 2q31.2.
Variant type: single nucleotide variant.
Coding change: c.3782C>T on transcript NM_173648.4 (MANE Select); coding-DNA position 3782, C replaced by T.
Protein change: p.Ala1261Val; replaces alanine 1261 with valine.
Molecular consequence: missense variant.
Genome position (GRCh38, 1-based): chr2:178,837,437, G>A on the plus strand (C>T on the coding strand, the complement: CCDC141 is on the minus strand). VCF-style: chr2-178837437-G-A. GRCh37 (hg19) VCF-style: chr2-179702164-G-A.
Other names: c.3782C>T (NM_173648.3); short protein forms A1261V.
Identifiers: ClinVar variation 1465867 (VCV001465867.9), dbSNP rs150447553, ClinGen allele CA2006625.

ClinVar aggregate classification (germline): Uncertain significance. Review status: criteria provided, multiple submitters, no conflicts (2 of 4 stars). 3 submissions from 3 submitters: Uncertain significance (3). Last evaluated 2026-01-12.

Allele frequency attached by ClinVar (database versions not stated): gnomAD 0.00004 and 0.00006; ExAC 0.00007; ESP Exome Variant Server 0.00008; TOPMed 0.00008; gnomAD exomes 0.00009 and 0.00011.
gnomAD v4.1: 158 of 1,614,074 alleles (0.0098%); highest among the groups gnomAD compares: Middle Eastern, 0.64%; 2 homozygotes.

Submissions (3):

Labcorp Genetics (formerly Invitae), Labcorp
Classification: Uncertain significance. Last evaluated: 2026-01-12. Review status: criteria provided, single submitter. Criteria: Invitae Variant Classification Sherloc (09022015). Collection method: clinical testing. Allele origin: germline.
Comment: This sequence change replaces alanine, which is neutral and non-polar, with valine, which is neutral and non-polar, at codon 1261 of the CCDC141 protein (p.Ala1261Val). This variant is present in population databases (rs150447553, gnomAD 0.01%). This variant has not been reported in the literature in individuals affected with CCDC141-related conditions. ClinVar contains an entry for this variant (Variation ID: 1465867). An algorithm developed to predict the effect of missense changes on protein structure and function (PolyPhen-2) suggests that this variant is likely to be tolerated. In summary, the available evidence is currently insufficient to determine the role of this variant in disease. Therefore, it has been classified as a Variant of Uncertain Significance.

Ambry Genetics
Classification: Uncertain significance. Last evaluated: 2024-12-11. Review status: criteria provided, single submitter. Criteria: Ambry Variant Classification Scheme 2023. Collection method: clinical testing. Allele origin: germline.

Breakthrough Genomics
Classification: Uncertain significance. Review status: criteria provided, single submitter. Criteria: ACMG Guidelines, 2015. Collection method: not provided. Allele origin: germline. Inheritance: Unknown mechanism. Affected: yes.